The following is an entry in ClinVar:

ClinVar aggregate classification (germline): Conflicting classifications of pathogenicity. Review status: criteria provided, conflicting classifications (1 of 4 stars). 2 submissions from 2 submitters: Uncertain significance (1); Likely benign (1). Last evaluated 2025-12-22.

Conditions:
Autoimmune lymphoproliferative syndrome, type III caused by mutation in PRKCD. Identifiers: Orphanet 3261, Orphanet 664711, MedGen C3809928, MONDO:8000024, OMIM 615559.

Allele frequency attached by ClinVar (database versions not stated): gnomAD 0.00011 and 0.00012; TOPMed 0.00013; ESP Exome Variant Server 0.00015; gnomAD exomes 0.00018.
gnomAD v4.1: 285 of 1,613,868 alleles (0.018%); highest among the groups gnomAD compares: Non-Finnish European, 0.022%; no homozygotes.

Submissions (2):

Labcorp Genetics (formerly Invitae), Labcorp
Classification: Likely benign for Autoimmune lymphoproliferative syndrome, type III caused by mutation in PRKCD. Last evaluated: 2025-12-22. Review status: criteria provided, single submitter. Criteria: Invitae Variant Classification Sherloc (09022015). Collection method: clinical testing. Allele origin: germline.

Center for Genomics, Ann and Robert H. Lurie Children's Hospital of Chicago
Classification: Uncertain significance for Autoimmune lymphoproliferative syndrome, type III caused by mutation in PRKCD. Last evaluated: 2022-12-20. Review status: criteria provided, single submitter. Criteria: ACMG Guidelines, 2015. Collection method: clinical testing. Allele origin: germline.
Comment: This variant has not been reported in the literature but is present in the Genome Aggregation Database (Highest reported MAF 0.02% [16/68016]). This variant is present in ClinVar (Variation ID: 737247). Evolutionary conservation and computational prediction tools for this variant are limited or unavailable. This is an intronic variant with no predicted change in the amino acid sequence, but it may have an unknown effect on splicing. Splice prediction tools do not suggest that this variant may affect splicing. However, further studies are needed to understand its impact. In summary, data on this variant is insufficient for disease classification. Therefore, the clinical significance of this variant is uncertain.

NM_006254.4(PRKCD):c.1260+7G>A

Gene: PRKCD (protein kinase C delta; plus strand). Cytogenetic location: 3p21.1.
Variant type: single nucleotide variant.
Coding change: c.1260+7G>A on transcript NM_006254.4 (MANE Select); 7 bases into the intron after coding-DNA position 1260, G replaced by A.
Molecular consequence: intron variant.
Genome position (GRCh38, 1-based): chr3:53,186,347, G>A. VCF-style: chr3-53186347-G-A. GRCh37 (hg19) VCF-style: chr3-53220363-G-A.
Other names: c.1260+7G>A (NM_001354680.2, NM_001354679.2, NM_212539.2 and 1 more transcripts); c.1317+7G>A (NM_001354676.2); c.1308+7G>A (NM_001354678.2).
Identifiers: ClinVar variation 737247 (VCV000737247.10), dbSNP rs374605708, ClinGen allele CA2452119.